The following is an entry in ClinVar:

NM_052947.4(ALPK2):c.839C>T (p.Thr280Ile)

Genes: ALPK2 (alpha kinase 2; minus strand), LOC114803473 (ALPK2 eExon liver enhancer; plus strand). Cytogenetic location: 18q21.31.
Variant type: single nucleotide variant.
Coding change: c.839C>T on transcript NM_052947.4 (MANE Select); coding-DNA position 839, C replaced by T.
Protein change: p.Thr280Ile; replaces threonine 280 with isoleucine.
Molecular consequence: missense variant.
Genome position (GRCh38, 1-based): chr18:58,579,937, G>A on the plus strand (C>T on the coding strand, the complement: ALPK2 is on the minus strand). VCF-style: chr18-58579937-G-A. GRCh37 (hg19) VCF-style: chr18-56247169-G-A.
Other names: short protein forms T280I.
Identifiers: ClinVar variation 1763220 (VCV001763220.2), dbSNP rs2051947767, ClinGen allele CA402567089.

ClinVar aggregate classification (germline): Uncertain significance (1 of 4 stars; one submission).

Allele frequency attached by ClinVar (database versions not stated): gnomAD exomes below 0.00001.
gnomAD v4.1: 1 of 1,614,212 alleles (0.000062%); highest among the groups gnomAD compares: Admixed American, 0.0017%; no homozygotes.

Submission:

Ambry Genetics
Classification: Uncertain significance. Last evaluated: 2022-05-29. Review status: criteria provided, single submitter. Criteria: Ambry Variant Classification Scheme 2023. Collection method: clinical testing. Allele origin: germline.
Comment: The p.T280I variant (also known as c.839C>T), located in coding exon 3 of the ALPK2 gene, results from a C to T substitution at nucleotide position 839. The threonine at codon 280 is replaced by isoleucine, an amino acid with similar properties. This amino acid position is conserved. In addition, this alteration is predicted to be tolerated by in silico analysis. Since supporting evidence is limited at this time, the clinical significance of this alteration remains unclear.